The following is an entry in ClinVar:

NM_004174.4(SLC9A3):c.517G>A (p.Asp173Asn)

Gene: SLC9A3 (solute carrier family 9 member A3). Cytogenetic location: 5p15.33.
Variant type: single nucleotide variant.
Coding change: c.517G>A on transcript NM_004174.4 (MANE Select); coding-DNA position 517, G replaced by A.
Protein change: p.Asp173Asn; replaces aspartic acid 173 with asparagine.
Molecular consequence: missense variant.
Genome position (GRCh38, 1-based): chr5:488,474, C>T on the plus strand (G>A on the coding strand, the complement: SLC9A3 is on the minus strand). VCF-style: chr5-488474-C-T. GRCh37 (hg19) VCF-style: chr5-488589-C-T.
Other names: c.517G>A, p.Asp173Asn (NM_001284351.3); c.517G>A (NM_004174.2); short protein forms D173N.
Identifiers: ClinVar variation 2167832 (VCV002167832.2), dbSNP rs759118320, ClinGen allele CA3176296.
Genomic context (GRCh38, chr5:488,474, plus strand): 5'-GGTCCACAGCCGCCATGAGGCTGCCAAACAGGAGGAAGTCCAGCAGCCCAATCTGCAGGT[C>T]GCCTGGAAGACAAGCCGGGCCGCGGGGCAGCTGCAGGGCCTGCCACCCGAGGAGGAGGGC-3'
Protein context (NP_004165.2, residues 163-183): YGVFLSGLMG[Asp173Asn]LQIGLLDFLL

ClinVar aggregate classification (germline): Uncertain significance. Review status: criteria provided, multiple submitters, no conflicts (2 of 4 stars). 2 submissions from 2 submitters: Uncertain significance (2). Last evaluated 2024-07-14.

Conditions:
Inborn genetic diseases. Identifiers: MedGen C0950123, MeSH D030342.

Allele frequency attached by ClinVar (database versions not stated): ExAC 0.00001; gnomAD exomes 0.00002; gnomAD 0.00005; TOPMed 0.00007.

Submissions (2):

Ambry Genetics
Classification: Uncertain significance for Inborn genetic diseases. Last evaluated: 2024-07-14. Review status: criteria provided, single submitter. Criteria: Ambry Variant Classification Scheme 2023. Collection method: clinical testing. Allele origin: germline.

Labcorp Genetics (formerly Invitae), Labcorp
Classification: Uncertain significance. Last evaluated: 2022-08-01. Review status: criteria provided, single submitter. Criteria: Invitae Variant Classification Sherloc (09022015). Collection method: clinical testing. Allele origin: germline.
Comment: This sequence change replaces aspartic acid, which is acidic and polar, with asparagine, which is neutral and polar, at codon 173 of the SLC9A3 protein (p.Asp173Asn). This variant is present in population databases (rs759118320, gnomAD 0.01%). This variant has not been reported in the literature in individuals affected with SLC9A3-related conditions. Algorithms developed to predict the effect of missense changes on protein structure and function are either unavailable or do not agree on the potential impact of this missense change (SIFT: "Not Available"; PolyPhen-2: "Benign"; Align-GVGD: "Not Available"). In summary, the available evidence is currently insufficient to determine the role of this variant in disease. Therefore, it has been classified as a Variant of Uncertain Significance.